The following is an entry in ClinVar:

NM_152564.5(VPS13B):c.10238C>T (p.Ala3413Val)

Gene: VPS13B (vacuolar protein sorting 13 homolog B; plus strand). Cytogenetic location: 8q22.2.
Variant type: single nucleotide variant.
Coding change: c.10238C>T on transcript NM_152564.5 (MANE Select); coding-DNA position 10238, C replaced by T.
Protein change: p.Ala3413Val; replaces alanine 3413 with valine.
Molecular consequence: missense variant.
Genome position (GRCh38, 1-based): chr8:99,853,627, C>T. VCF-style: chr8-99853627-C-T. GRCh37 (hg19) VCF-style: chr8-100865855-C-T.
Other names: c.10313C>T (NM_017890.4); c.10313C>T, p.Ala3438Val (NM_017890.5); c.10238C>T (NM_152564.4); short protein forms A3438V, A3413V.
Identifiers: ClinVar variation 1358288 (VCV001358288.10), dbSNP rs930006569, ClinGen allele CA182314151.

ClinVar aggregate classification (germline): Uncertain significance. Review status: criteria provided, multiple submitters, no conflicts (2 of 4 stars). 3 submissions from 3 submitters: Uncertain significance (3). Last evaluated 2024-02-05.

Conditions:
Cohen syndrome (COH1). Also called: PEPPER SYNDROME; Cutis verticis gyrata, retinitis pigmentosa, and sensorineural deafness. Identifiers: Orphanet 193, MedGen C0265223, MONDO:0008999, OMIM 216550.
VPS13B-related disorder. Also called: VPS13B-related condition.

Allele frequency attached by ClinVar (database versions not stated): TOPMed below 0.00001; gnomAD 0.00001; gnomAD exomes 0.00001.
gnomAD v4.1: 13 of 1,614,120 alleles (0.00081%); highest among the groups gnomAD compares: East Asian, 0.0022%; no homozygotes.

Submissions (3):

Labcorp Genetics (formerly Invitae), Labcorp
Classification: Uncertain significance for Cohen syndrome. Last evaluated: 2024-02-05. Review status: criteria provided, single submitter. Criteria: Invitae Variant Classification Sherloc (09022015). Collection method: clinical testing. Allele origin: germline.
Comment: This sequence change replaces alanine, which is neutral and non-polar, with valine, which is neutral and non-polar, at codon 3438 of the VPS13B protein (p.Ala3438Val). This variant is present in population databases (no rsID available, gnomAD 0.0009%). This variant has not been reported in the literature in individuals affected with VPS13B-related conditions. ClinVar contains an entry for this variant (Variation ID: 1358288). Advanced modeling of protein sequence and biophysical properties (such as structural, functional, and spatial information, amino acid conservation, physicochemical variation, residue mobility, and thermodynamic stability) performed at Invitae indicates that this missense variant is not expected to disrupt VPS13B protein function with a negative predictive value of 80%. In summary, the available evidence is currently insufficient to determine the role of this variant in disease. Therefore, it has been classified as a Variant of Uncertain Significance.

PreventionGenetics, part of Exact Sciences
Classification: Uncertain significance for VPS13B-related condition. Last evaluated: 2023-04-05. Review status: criteria provided, single submitter. Criteria: ACMG Guidelines, 2015. Collection method: clinical testing. Allele origin: germline.
Comment: The VPS13B c.10238C>T variant is predicted to result in the amino acid substitution p.Ala3413Val. To our knowledge, this variant has not been reported in the literature. This variant is reported in 0.0054% of alleles in individuals of East Asian descent in gnomAD. At this time, the clinical significance of this variant is uncertain due to the absence of conclusive functional and genetic evidence.

Revvity Omics, Revvity
Classification: Uncertain significance for Cohen syndrome. Last evaluated: 2021-10-06. Review status: criteria provided, single submitter. Criteria: ACMG Guidelines, 2015. Collection method: clinical testing. Allele origin: germline.